The following is an entry in ClinVar:

ClinVar aggregate classification (germline): Pathogenic (1 of 4 stars; one submission).

Conditions:
Focal segmental glomerulosclerosis 7 (FSGS7). Identifiers: Orphanet 656, MedGen C4014925, MONDO:0014451, OMIM 616002.

Submission:

Department of Pediatrics, Seoul National University Bundang Hospital
Classification: Pathogenic for Focal segmental glomerulosclerosis 7. Last evaluated: 2024-12-01. Review status: criteria provided, single submitter. Criteria: ACMG Guidelines, 2015. Collection method: clinical testing. Allele origin: de novo. Inheritance: Autosomal dominant inheritance. Affected: no. Observed: 1 variant allele.
Comment: The p.Gly76AspfsTer27 is a frameshft variant and is regarded as pathogenic (PVS1, PM2, PM6, according to ACMG criteria). It has been reported in the following publication (PMID: 32604935).

Literature cited by the submitters: PubMed 32604935.

NM_000278.5(PAX2):c.223_226dup (p.Gly76fs)

Gene: PAX2 (paired box 2; plus strand). Cytogenetic location: 10q24.31.
Variant type: Duplication.
Coding change: c.223_226dup on transcript NM_000278.5 (MANE Select); coding-DNA positions 223 to 226, 4 bases duplicated (ACCG; older notation c.223_226dupACCG).
Protein change: p.Gly76fs; shifts the reading frame from glycine 76.
Molecular consequence: frameshift variant.
Genome position (GRCh38, 1-based): chr10:100,750,704-100,750,707, ACCG duplicated; duplicating any 4 consecutive bases within chr10:100,750,703-100,750,707 gives the same sequence; the c. name uses the placement nearest the transcript's 3' end. VCF-style (leftmost placement, unchanged base first): chr10-100750702-A-AGACC. GRCh37 (hg19) VCF-style: chr10-102510459-A-AGACC.
Other names: c.316_319dup, p.Gly107fs (NM_001304569.2); c.223_226dup, p.Gly76fs (NM_003987.5, NM_003988.5, NM_003989.5 and 1 more transcripts); short protein forms G107fs, G76fs.
Identifiers: ClinVar variation 3602567 (VCV003602567.2).